The following is an entry in ClinVar:

NM_024422.6(DSC2):c.802A>C (p.Thr268Pro)

Gene: DSC2 (desmocollin 2; minus strand). Cytogenetic location: 18q12.1.
Variant type: single nucleotide variant.
Coding change: c.802A>C on transcript NM_024422.6 (MANE Select); coding-DNA position 802, A replaced by C.
Protein change: p.Thr268Pro; replaces threonine 268 with proline.
Molecular consequence: missense variant.
Genome position (GRCh38, 1-based): chr18:31,086,716, T>G on the plus strand (A>C on the coding strand, the complement: DSC2 is on the minus strand). VCF-style: chr18-31086716-T-G. GRCh37 (hg19) VCF-style: chr18-28666679-T-G.
Other names: c.802A>C, p.Thr268Pro (NM_004949.5); c.802A>C (NM_024422.3); short protein forms T268P.
Identifiers: ClinVar variation 468387 (VCV000468387.12), dbSNP rs201015785, ClinGen allele CA402112288.

ClinVar aggregate classification (germline): Uncertain significance. Review status: criteria provided, multiple submitters, no conflicts (2 of 4 stars). 3 submissions from 3 submitters: Uncertain significance (3). Last evaluated 2025-01-21.

Conditions:
Arrhythmogenic right ventricular dysplasia 11. Also called: Arrhythmogenic Right Ventricular Dysplasia/Cardiomyopathy11; ARRHYTHMOGENIC RIGHT VENTRICULAR DYSPLASIA, FAMILIAL, 11; Arrhythmogenic right ventricular dysplasia 11 with mild palmoplantar keratoderma and woolly hair. Identifiers: MedGen C1864850, MONDO:0012506, OMIM 610476.
Cardiomyopathy (CMYO). Also called: Cardiomyopathies. Identifiers: Orphanet 167848, MedGen C0878544, MONDO:0004994, HP:0001638. Inheritance: Various modes of inheritance.

gnomAD v4.1: 2 of 1,614,006 alleles (0.00012%); highest among the groups gnomAD compares: African/African-American, 0.0013%; no homozygotes.

Submissions (3):

GeneDx
Classification: Uncertain significance. Last evaluated: 2025-01-21. Review status: criteria provided, single submitter. Criteria: GeneDx Variant Classification Process June 2021. Collection method: clinical testing. Allele origin: germline. Affected: yes.
Comment: Not observed at significant frequency in large population cohorts (gnomAD); In silico analysis supports that this missense variant has a deleterious effect on protein structure/function; Identified in an individual with arrhythmogenic cardiomyopathy in published literature; however, it is unclear if additional cardiogenetic variants were also identified in this individual (PMID: 35819174); This variant is associated with the following publications: (PMID: 35819174)

Labcorp Genetics (formerly Invitae), Labcorp
Classification: Uncertain significance for Arrhythmogenic right ventricular dysplasia 11. Last evaluated: 2023-08-04. Review status: criteria provided, single submitter. Criteria: Invitae Variant Classification Sherloc (09022015). Collection method: clinical testing. Allele origin: germline.
Comment: This sequence change replaces threonine, which is neutral and polar, with proline, which is neutral and non-polar, at codon 268 of the DSC2 protein (p.Thr268Pro). This variant is not present in population databases (gnomAD no frequency). This variant has not been reported in the literature in individuals affected with DSC2-related conditions. ClinVar contains an entry for this variant (Variation ID: 468387). In summary, the available evidence is currently insufficient to determine the role of this variant in disease. Therefore, it has been classified as a Variant of Uncertain Significance. Advanced modeling of protein sequence and biophysical properties (such as structural, functional, and spatial information, amino acid conservation, physicochemical variation, residue mobility, and thermodynamic stability) has been performed at Invitae for this missense variant, however the output from this modeling did not meet the statistical confidence thresholds required to predict the impact of this variant on DSC2 protein function.

Color Diagnostics, LLC DBA Color Health
Classification: Uncertain significance for Cardiomyopathy. Last evaluated: 2021-12-20. Review status: criteria provided, single submitter. Criteria: ACMG Guidelines, 2015. Collection method: clinical testing. Allele origin: germline.
Comment: This missense variant replaces threonine with proline at codon 268 of the DSC2 protein. Computational prediction suggests that this variant may not impact protein structure and function (internally defined REVEL score threshold <= 0.5, PMID: 27666373). To our knowledge, functional studies have not been reported for this variant. This variant has not been reported in individuals affected with cardiovascular disorders in the literature. This variant has not been identified in the general population by the Genome Aggregation Database (gnomAD). The available evidence is insufficient to determine the role of this variant in disease conclusively. Therefore, this variant is classified as a Variant of Uncertain Significance.